The following is an entry in ClinVar:

ClinVar aggregate classification (germline): Pathogenic (1 of 4 stars; one submission).

Conditions:
Glycogen storage disease. Also called: glycogen storage disorder; Disorder of glycogen metabolism. Identifiers: Orphanet 79201, MedGen C0017919, MONDO:0002412.

Submission:

Genetics Laboratory, Great Ormond Street Hospital NHS Foundation Trust, North Thames Genomic Laboratory Hub
Classification: Pathogenic for Glycogen storage disease. Last evaluated: 2026-07-28. Review status: criteria provided, single submitter. Criteria: ACGS Best Practice Guidelines for Variant Classification in Rare Disease 2024 v1.2. Collection method: clinical testing. Allele origin: germline. Affected: yes.
Comment: PM2_moderate, PVS1_very-strong

NM_000294.3(PHKG2):c.247C>T (p.Gln83Ter)

Gene: PHKG2 (phosphorylase kinase catalytic subunit gamma 2; plus strand). Cytogenetic location: 16p11.2.
Variant type: single nucleotide variant.
Coding change: c.247C>T on transcript NM_000294.3 (MANE Select); coding-DNA position 247, C replaced by T.
Protein change: p.Gln83Ter; replaces glutamine 83 with a stop codon.
Molecular consequence: nonsense.
Genome position (GRCh38, 1-based): chr16:30,751,257, C>T. VCF-style: chr16-30751257-C-T. GRCh37 (hg19) VCF-style: chr16-30762578-C-T.
Other names: c.247C>T, p.Gln83Ter (NM_001172432.2); short protein forms Q83*.
Identifiers: ClinVar variation 4976881 (VCV004976881.1).